The following is an entry in ClinVar:

ClinVar aggregate classification (germline): Uncertain significance (1 of 4 stars; one submission).

Submission:

ARUP Laboratories, Molecular Genetics and Genomics, ARUP Laboratories
Classification: Uncertain significance. Last evaluated: 2017-10-11. Review status: criteria provided, single submitter. Criteria: ARUP Molecular Germline Variant Investigation Process. Collection method: clinical testing. Allele origin: germline.
Comment: The p.Thr147Met variant has not been reported in the medical literature, gene specific variation databases, nor has it been previously identified by our laboratory. The p.Thr147Met is absent from general population databases such as 1000 Genomes, NHLBI GO Exome Sequencing Project (ESP), and the Genome Aggregation Database (gnomAD). The threonine at position 147 is highly conserved considering 12 species (Alamut v2.10) and computational analyses of the effects of the p.Thr147Met variant on protein structure and function provide conflicting results (SIFT: tolerated, MutationTaster: disease causing, PolyPhen-2: possibly damaging). Altogether, there is not enough evidence to classify the p.Thr147Met variant with certainty.

NM_001099857.5(IKBKG):c.440C>T (p.Thr147Met)

Gene: IKBKG (inhibitor of nuclear factor kappa B kinase regulatory subunit gamma; plus strand). Cytogenetic location: Xq28.
Variant type: single nucleotide variant.
Coding change: c.440C>T on transcript NM_001099857.5 (MANE Select); coding-DNA position 440, C replaced by T.
Protein change: p.Thr147Met; replaces threonine 147 with methionine.
Molecular consequence: missense variant. On other transcripts: intron variant (1).
Genome position (GRCh38, 1-based): chrX:154,558,572, C>T. VCF-style: chrX-154558572-C-T. GRCh37 (hg19) VCF-style: chrX-153786787-C-T.
Other names: c.399+2196C>T (NM_001377315.1); c.437C>T, p.Thr146Met (NM_001321397.3, NM_001377313.1, NM_001377314.1); c.440C>T, p.Thr147Met (NM_001377312.1, NM_003639.4, NM_001145255.4 and 1 more transcripts); c.644C>T, p.Thr215Met (NM_001099856.6); short protein forms T147M, T215M, T146M.
Identifiers: ClinVar variation 618180 (VCV000618180.8), dbSNP rs1569556582, ClinGen allele CA415214030.